The following is an entry in ClinVar:

ClinVar aggregate classification (germline): Uncertain significance (1 of 4 stars; one submission).

Allele frequency attached by ClinVar (database versions not stated): gnomAD exomes 0.00006; TOPMed 0.00011; gnomAD 0.00014; ESP Exome Variant Server 0.00023.
gnomAD v4.1: 113 of 1,612,052 alleles (0.007%); highest among the groups gnomAD compares: African/African-American, 0.036%; no homozygotes.

Submission:

Labcorp Genetics (formerly Invitae), Labcorp
Classification: Uncertain significance. Last evaluated: 2022-06-27. Review status: criteria provided, single submitter. Criteria: Invitae Variant Classification Sherloc (09022015). Collection method: clinical testing. Allele origin: germline.
Comment: This sequence change replaces arginine, which is basic and polar, with histidine, which is basic and polar, at codon 2852 of the DNAH9 protein (p.Arg2852His). This variant is present in population databases (rs146734343, gnomAD 0.03%). This variant has not been reported in the literature in individuals affected with DNAH9-related conditions. Algorithms developed to predict the effect of missense changes on protein structure and function are either unavailable or do not agree on the potential impact of this missense change (SIFT: "Tolerated"; PolyPhen-2: "Possibly Damaging"; Align-GVGD: "Class C0"). In summary, the available evidence is currently insufficient to determine the role of this variant in disease. Therefore, it has been classified as a Variant of Uncertain Significance.

NM_001372.4(DNAH9):c.8555G>A (p.Arg2852His)

Gene: DNAH9 (dynein axonemal heavy chain 9; plus strand). Cytogenetic location: 17p12.
Variant type: single nucleotide variant.
Coding change: c.8555G>A on transcript NM_001372.4 (MANE Select); coding-DNA position 8555, G replaced by A.
Protein change: p.Arg2852His; replaces arginine 2852 with histidine.
Molecular consequence: missense variant.
Genome position (GRCh38, 1-based): chr17:11,807,866, G>A. VCF-style: chr17-11807866-G-A. GRCh37 (hg19) VCF-style: chr17-11711183-G-A.
Other names: short protein forms R2852H.
Identifiers: ClinVar variation 1490792 (VCV001490792.5), dbSNP rs146734343, ClinGen allele CA8396958.